The following is an entry in ClinVar:

ClinVar aggregate classification (germline): Benign. Review status: criteria provided, multiple submitters, no conflicts (2 of 4 stars). 4 submissions from 4 submitters: Benign (4). Last evaluated 2026-02-03.

Conditions:
Retinal dystrophy. Also called: Inherited retinal dystrophy. Identifiers: Orphanet 71862, MedGen C0854723, MeSH D058499, MONDO:0019118, HP:0000556.

Allele frequency attached by ClinVar (database versions not stated): 1000 Genomes Project 30x 0.00453; 1000 Genomes Project 0.00499; ExAC 0.00515; gnomAD exomes 0.00717; gnomAD 0.00821 and 0.00848; TOPMed 0.00922; ESP Exome Variant Server 0.00986.
gnomAD v4.1: 16,118 of 1,532,098 alleles (1.1%); highest among the groups gnomAD compares: Non-Finnish European, 1.3%; 103 homozygotes.

Submissions (4):

Labcorp Genetics (formerly Invitae), Labcorp
Classification: Benign. Last evaluated: 2026-02-03. Review status: criteria provided, single submitter. Criteria: Invitae Variant Classification Sherloc (09022015). Collection method: clinical testing. Allele origin: germline.

CeGaT Center for Human Genetics Tuebingen
Classification: Benign. Last evaluated: 2025-08-01. Review status: criteria provided, single submitter. Criteria: CeGaT Center For Human Genetics Tuebingen Variant Classification Criteria Version 2. Collection method: clinical testing. Allele origin: germline. Affected: yes. Observed: 2 variant alleles.
Comment: FSCN2: BP4, BS1, BS2

Dept Of Ophthalmology, Nagoya University
Classification: Benign for Retinal dystrophy. Last evaluated: 2023-10-01. Review status: criteria provided, single submitter. Criteria: Submitter's publication. Collection method: research. Allele origin: germline. Affected: yes.

Breakthrough Genomics
Classification: Benign. Review status: criteria provided, single submitter. Criteria: ACMG Guidelines, 2015. Collection method: not provided. Allele origin: germline. Inheritance: Unknown mechanism. Affected: yes.

NM_012418.4(FSCN2):c.966C>T (p.His322=)

Gene: FSCN2 (fascin actin-bundling protein 2, retinal; plus strand). Cytogenetic location: 17q25.3.
Variant type: single nucleotide variant.
Coding change: c.966C>T on transcript NM_012418.4 (MANE Select); coding-DNA position 966, C replaced by T.
Protein change: p.His322=; no amino-acid change (histidine 322 retained).
Molecular consequence: synonymous variant.
Genome position (GRCh38, 1-based): chr17:81,535,191, C>T. VCF-style: chr17-81535191-C-T. GRCh37 (hg19) VCF-style: chr17-79502217-C-T.
Other names: c.966C>T, p.His322= (NM_001077182.3).
Identifiers: ClinVar variation 774933 (VCV000774933.35), dbSNP rs367734858, ClinGen allele CA8836901.
Genomic context (GRCh38, chr17:81,535,191, plus strand): 5'-GTGCACCTTCTATTCCAGCACTGGGGGCTACTGGACCCTGGTCACCCATGGGGGCATTCA[C>T]GCCACAGCCACACAAGTGTGAGTGCACACATCCCTTCCTCCTCCATCATCCCCATCCCCA-3'
Protein context (NP_036550.1, residues 312-332): YWTLVTHGGI[His322=]ATATQVSANT